The following is an entry in ClinVar:

ClinVar aggregate classification (germline): Uncertain significance (0 of 4 stars; one submission).

Conditions:
SEMA3B-related disorder. Also called: SEMA3B-related condition.

gnomAD v4.1: 3 of 1,613,744 alleles (0.00019%); highest among the groups gnomAD compares: Admixed American, 0.0033%; no homozygotes.

Submission:

PreventionGenetics, part of Exact Sciences
Classification: Uncertain significance for SEMA3B-related condition. Last evaluated: 2024-08-27. Review status: no assertion criteria provided. Collection method: clinical testing. Allele origin: germline.
Comment: The SEMA3B c.281C>G variant is predicted to result in the amino acid substitution p.Ala94Gly. To our knowledge, this variant has not been reported in the literature. This variant is reported in 0.0057% of alleles in individuals of Latino descent in gnomAD. At this time, the clinical significance of this variant is uncertain due to the absence of conclusive functional and genetic evidence.

NM_001290060.2(SEMA3B):c.281C>G (p.Ala94Gly)

Gene: SEMA3B (semaphorin 3B; plus strand). Cytogenetic location: 3p21.31.
Variant type: single nucleotide variant.
Coding change: c.281C>G on transcript NM_001290060.2 (MANE Select); coding-DNA position 281, C replaced by G.
Protein change: p.Ala94Gly; replaces alanine 94 with glycine.
Molecular consequence: missense variant.
Genome position (GRCh38, 1-based): chr3:50,270,446, C>G. VCF-style: chr3-50270446-C-G. GRCh37 (hg19) VCF-style: chr3-50307877-C-G.
Other names: c.281C>G, p.Ala94Gly (NM_001005914.3, NM_001290061.1, NM_004636.4); short protein forms A94G.
Identifiers: ClinVar variation 3350621 (VCV003350621.1).
Genomic context (GRCh38, chr3:50,270,446, plus strand): 5'-ATCCCAAGTTCCTGACCTGTGTCCCCTCTCCCCCAACCTCCCGATAGCTGGCCTGGCCGG[C>G]CCCTGTGGAATGGCGAGAGGAGTGCAACTGGGCAGGGAAGGACATTGGTGTGAGTGCCAG-3'
Protein context (NP_001276989.1, residues 84-104): SKRAKKLAWP[Ala94Gly]PVEWREECNW